The following is an entry in ClinVar:

NM_013266.4(CTNNA3):c.376C>T (p.Arg126Cys)

Gene: CTNNA3 (catenin alpha 3; minus strand). Cytogenetic location: 10q21.3.
Variant type: single nucleotide variant.
Coding change: c.376C>T on transcript NM_013266.4 (MANE Select); coding-DNA position 376, C replaced by T.
Protein change: p.Arg126Cys; replaces arginine 126 with cysteine.
Molecular consequence: missense variant.
Genome position (GRCh38, 1-based): chr10:67,539,586, G>A on the plus strand (C>T on the coding strand, the complement: CTNNA3 is on the minus strand). VCF-style: chr10-67539586-G-A. GRCh37 (hg19) VCF-style: chr10-69299344-G-A.
Other names: c.376C>T, p.Arg126Cys (NM_001127384.3); c.412C>T, p.Arg138Cys (NM_001291133.2); short protein forms R126C, R138C.
Identifiers: ClinVar variation 1022176 (VCV001022176.14), dbSNP rs373661106, ClinGen allele CA5520640.

ClinVar aggregate classification (germline): Uncertain significance. Review status: criteria provided, multiple submitters, no conflicts (2 of 4 stars). 3 submissions from 3 submitters: Uncertain significance (3). Last evaluated 2026-01-05.

Conditions:
Arrhythmogenic right ventricular dysplasia 13. Also called: Arrhythmogenic right ventricular dysplasia, familial, 13; ARRHYTHMOGENIC RIGHT VENTRICULAR CARDIOMYOPATHY 13. Identifiers: MedGen C3810138, MONDO:0000908, OMIM 615616.

Allele frequency attached by ClinVar (database versions not stated): 1000 Genomes Project 30x 0.00047; 1000 Genomes Project 0.00040; TOPMed 0.00006.
gnomAD v4.1: 33 of 1,613,820 alleles (0.002%); highest among the groups gnomAD compares: Admixed American, 0.025%; no homozygotes.

Submissions (3):

Dasa
Classification: Uncertain significance for Arrhythmogenic right ventricular dysplasia 13. Last evaluated: 2026-01-05. Review status: criteria provided, single submitter. Criteria: DASA Assertion Criteria. Collection method: clinical testing. Allele origin: germline.
Comment: NM_013266.4(CTNNA3):c.376C>T (p.Arg126Cys) is a missense variant that results in the substitution of arginine with cysteine. This variant is rare in population databases. Computational prediction algorithms are consistent with a deleterious effect. The currently available literature and clinical evidence are not sufficient to establish a definitive association between this variant and the reported condition. Therefore, this variant is classified as a variant of uncertain significance.

Labcorp Genetics (formerly Invitae), Labcorp
Classification: Uncertain significance for Arrhythmogenic right ventricular dysplasia 13. Last evaluated: 2025-11-28. Review status: criteria provided, single submitter. Criteria: Invitae Variant Classification Sherloc (09022015). Collection method: clinical testing. Allele origin: germline.
Comment: This sequence change replaces arginine, which is basic and polar, with cysteine, which is neutral and slightly polar, at codon 126 of the CTNNA3 protein (p.Arg126Cys). This variant is present in population databases (rs373661106, gnomAD 0.009%). This variant has not been reported in the literature in individuals affected with CTNNA3-related conditions. ClinVar contains an entry for this variant (Variation ID: 1022176). Invitae Evidence Modeling of protein sequence and biophysical properties (such as structural, functional, and spatial information, amino acid conservation, physicochemical variation, residue mobility, and thermodynamic stability) indicates that this missense variant is expected to disrupt CTNNA3 protein function with a positive predictive value of 80%. In summary, the available evidence is currently insufficient to determine the role of this variant in disease. Therefore, it has been classified as a Variant of Uncertain Significance.

Ambry Genetics
Classification: Uncertain significance. Last evaluated: 2024-11-13. Review status: criteria provided, single submitter. Criteria: Ambry Variant Classification Scheme 2023. Collection method: clinical testing. Allele origin: germline.
Comment: The p.R126C variant (also known as c.376C>T), located in coding exon 3 of the CTNNA3 gene, results from a C to T substitution at nucleotide position 376. The arginine at codon 126 is replaced by cysteine, an amino acid with highly dissimilar properties. This amino acid position is conserved. In addition, this alteration is predicted to be deleterious by in silico analysis. Since supporting evidence is limited at this time, the clinical significance of this alteration remains unclear.